The following is an entry in ClinVar:

NM_001145715.3(KPNA7):c.1352_1353del (p.Cys451fs)

Gene: KPNA7 (karyopherin subunit alpha 7; minus strand). Cytogenetic location: 7q22.1.
Variant type: Microsatellite.
Coding change: c.1352_1353del on transcript NM_001145715.3 (MANE Select); coding-DNA positions 1352 to 1353, 2 bases deleted (GT; older notation c.1352_1353delGT).
Protein change: p.Cys451fs; shifts the reading frame from cysteine 451.
Molecular consequence: frameshift variant.
Genome position (GRCh38, 1-based): chr7:99,178,031-99,178,032, AC deleted on the plus strand (GT on the coding strand, the reverse complement: KPNA7 is on the minus strand); deleting any 2 consecutive bases within chr7:99,178,031-99,178,035 gives the same sequence; the c. name uses the placement nearest the transcript's 3' end. VCF-style (leftmost placement, unchanged base first): chr7-99178030-GAC-G. GRCh37 (hg19) VCF-style: chr7-98775653-GAC-G.
Other names: short protein forms C451fs.
Identifiers: ClinVar variation 1447518 (VCV001447518.4), dbSNP rs910773632, ClinGen allele CA163744400.
Genomic context (GRCh38, chr7:99,178,030, plus strand): 5'-GGTTCTCATGCAGCTGTAAAGCCTCAATTCTATCGATCCCACCAAGTTCTTCTATCAGAA[GAC>G]ACAGGTTTTCCTTCTCAGACCGTTTCTCTGCCGCCTGTGACCAAGTACAAGGGGACATGA-3'

ClinVar aggregate classification (germline): Uncertain significance (1 of 4 stars; one submission).

Submission:

Labcorp Genetics (formerly Invitae), Labcorp
Classification: Uncertain significance. Last evaluated: 2025-01-06. Review status: criteria provided, single submitter. Criteria: Invitae Variant Classification Sherloc (09022015). Collection method: clinical testing. Allele origin: germline.
Comment: This sequence change creates a premature translational stop signal (p.Cys451Serfs*11) in the KPNA7 gene. It is expected to result in an absent or disrupted protein product. However, the current clinical and genetic evidence is not sufficient to establish whether loss-of-function variants in KPNA7 cause disease. This variant is present in population databases (no rsID available, gnomAD 0.02%). This variant has not been reported in the literature in individuals affected with KPNA7-related conditions. In summary, the available evidence is currently insufficient to determine the role of this variant in disease. Therefore, it has been classified as a Variant of Uncertain Significance.